The following is an entry in ClinVar:

NM_152594.3(SPRED1):c.562A>G (p.Met188Val)

Gene: SPRED1 (sprouty related EVH1 domain containing 1; plus strand). Cytogenetic location: 15q14.
Variant type: single nucleotide variant.
Coding change: c.562A>G on transcript NM_152594.3 (MANE Select); coding-DNA position 562, A replaced by G.
Protein change: p.Met188Val; replaces methionine 188 with valine.
Molecular consequence: missense variant.
Genome position (GRCh38, 1-based): chr15:38,339,875, A>G. VCF-style: chr15-38339875-A-G. GRCh37 (hg19) VCF-style: chr15-38632076-A-G.
Other names: short protein forms M188V.
Identifiers: ClinVar variation 5030132 (VCV005030132.1).

ClinVar aggregate classification (germline): Uncertain significance (1 of 4 stars; one submission).

Conditions:
Cardiovascular phenotype. Identifiers: MedGen CN230736.

Submission:

Ambry Genetics
Classification: Uncertain significance for Cardiovascular phenotype. Last evaluated: 2026-08-28. Review status: criteria provided, single submitter. Criteria: Ambry Variant Classification Scheme 2023. Collection method: clinical testing. Allele origin: germline.
Comment: The p.M188V variant (also known as c.562A>G), located in coding exon 5 of the SPRED1 gene, results from an A to G substitution at nucleotide position 562. The methionine at codon 188 is replaced by valine, an amino acid with highly similar properties. This amino acid position is conserved. In addition, this alteration is predicted to be tolerated by in silico analysis. Based on the available evidence, the clinical significance of this variant remains unclear.